The following is an entry in ClinVar:

ClinVar aggregate classification (germline): Uncertain significance. Review status: criteria provided, multiple submitters, no conflicts (2 of 4 stars). 3 submissions from 3 submitters: Uncertain significance (3). Last evaluated 2024-06-17.

Allele frequency attached by ClinVar (database versions not stated): ExAC 0.00002; ESP Exome Variant Server 0.00008.
gnomAD v4.1: 16 of 1,614,120 alleles (0.00099%); highest among the groups gnomAD compares: African/African-American, 0.02%; no homozygotes.

Submissions (3):

GeneDx
Classification: Uncertain significance. Last evaluated: 2024-06-17. Review status: criteria provided, single submitter. Criteria: GeneDx Variant Classification Process June 2021. Collection method: clinical testing. Allele origin: germline. Affected: yes.
Comment: In silico analysis supports that this missense variant has a deleterious effect on protein structure/function; Has not been previously published as pathogenic or benign to our knowledge

Labcorp Genetics (formerly Invitae), Labcorp
Classification: Uncertain significance. Last evaluated: 2022-05-22. Review status: criteria provided, single submitter. Criteria: Invitae Variant Classification Sherloc (09022015). Collection method: clinical testing. Allele origin: germline.
Comment: This sequence change replaces phenylalanine, which is neutral and non-polar, with leucine, which is neutral and non-polar, at codon 5037 of the USH2A protein (p.Phe5037Leu). This variant is present in population databases (rs150688328, gnomAD 0.02%). This variant has not been reported in the literature in individuals affected with USH2A-related conditions. Algorithms developed to predict the effect of missense changes on protein structure and function output the following: SIFT: "Deleterious"; PolyPhen-2: "Benign"; Align-GVGD: "Class C0". The leucine amino acid residue is found in multiple mammalian species, which suggests that this missense change does not adversely affect protein function. In summary, the available evidence is currently insufficient to determine the role of this variant in disease. Therefore, it has been classified as a Variant of Uncertain Significance.

Blueprint Genetics
Classification: Uncertain significance. Last evaluated: 2019-06-29. Review status: criteria provided, single submitter. Criteria: ACMG Guidelines, 2015. Collection method: clinical testing. Allele origin: germline.

NM_206933.4(USH2A):c.15111C>G (p.Phe5037Leu)

Gene: USH2A (usherin; minus strand). Cytogenetic location: 1q41.
Variant type: single nucleotide variant.
Coding change: c.15111C>G on transcript NM_206933.4 (MANE Select); coding-DNA position 15111, C replaced by G.
Protein change: p.Phe5037Leu; replaces phenylalanine 5037 with leucine.
Molecular consequence: missense variant.
Genome position (GRCh38, 1-based): chr1:215,634,645, G>C on the plus strand (C>G on the coding strand, the complement: USH2A is on the minus strand). VCF-style: chr1-215634645-G-C. GRCh37 (hg19) VCF-style: chr1-215807987-G-C.
Other names: c.15111C>G (NM_206933.2); short protein forms F5037L.
Identifiers: ClinVar variation 2136742 (VCV002136742.3), dbSNP rs150688328, ClinGen allele CA1392786.